The following is an entry in ClinVar:

NM_000548.5(TSC2):c.2557_2568del (p.Leu853_Leu856del)

Gene: TSC2 (TSC complex subunit 2; plus strand). Cytogenetic location: 16p13.3.
Variant type: Deletion.
Coding change: c.2557_2568del on transcript NM_000548.5 (MANE Select); coding-DNA positions 2557 to 2568, 12 bases deleted (CTGCCGCACCTC).
Protein change: p.Leu853_Leu856del.
Molecular consequence: inframe deletion. On other transcripts: non-coding transcript variant (5).
Genome position (GRCh38, 1-based): chr16:2,075,810-2,075,821, CTGCCGCACCTC deleted. VCF-style (leftmost placement, unchanged base first): chr16-2075809-GCTGCCGCACCTC-G. GRCh37 (hg19) VCF-style: chr16-2125810-GCTGCCGCACCTC-G.
Other names: c.2557_2568del, p.Leu853_Leu856del (NM_001077183.3, NM_001114382.3, NM_001363528.2 and 6 more transcripts); c.2446_2457del, p.Leu816_Leu819del (NM_001318827.2, NM_001406670.1, NM_001406678.1); c.2410_2421del, p.Leu804_Leu807del (NM_001318829.2, NM_001406675.1, NM_001406676.1 and 1 more transcripts); c.1957_1968del, p.Leu653_Leu656del (NM_001318831.2, NM_001406680.1, NM_001406682.1 and 6 more transcripts); c.2590_2601del, p.Leu864_Leu867del (NM_001318832.2); c.2647_2658del, p.Leu883_Leu886del (NM_001406667.1, NM_001406668.1); c.2545_2556del, p.Leu849_Leu852del (NM_001406671.1, NM_001406673.1); c.2500_2511del, p.Leu834_Leu837del (NM_001406677.1); and 3 more.
Identifiers: ClinVar variation 5019992 (VCV005019992.1).

ClinVar aggregate classification (germline): Likely pathogenic (1 of 4 stars; one submission).

Conditions:
Isolated focal cortical dysplasia type II (FCORD2). Also called: CORTICAL DYSPLASIA OF TAYLOR; Focal cortical dysplasia type II. Identifiers: Orphanet 268994, MedGen C1846385, MONDO:0011818, OMIM 607341, HP:0032051.
Lymphangiomyomatosis (LAM). Also called: Lymphangioleiomyomatosis, somatic; Lymphangioleiomyomatosis. Identifiers: Orphanet 538, MedGen C0751674, MONDO:0011705, OMIM 606690.
Tuberous sclerosis 2 (TSC2). Identifiers: Orphanet 805, MedGen C1860707, MONDO:0013199, OMIM 613254.

Submission:

Juno Genomics, Hangzhou Juno Genomics, Inc
Classification: Likely pathogenic for Tuberous sclerosis 2; Isolated focal cortical dysplasia type II; Lymphangiomyomatosis. Review status: criteria provided, single submitter. Criteria: ACMG Guidelines, 2015. Collection method: clinical testing. Allele origin: germline. Affected: yes.
Comment: Absent from controls (or at extremely low frequency if recessive) in Genome Aggregation Database.;Protein length changes due to in-frame deletions/insertions in a non-repeat region or stop-loss variants.;De novo (both maternity and paternity confirmed) in a patient with the disease and no family history.;Patient's phenotype or family history is highly specific for a disease with a single genetic etiology.